The following is an entry in ClinVar:

ClinVar aggregate classification (germline): Uncertain significance (1 of 4 stars; one submission).

Submission:

GeneDx
Classification: Uncertain significance. Last evaluated: 2019-08-01. Review status: criteria provided, single submitter. Criteria: GeneDx Variant Classification Process June 2021. Collection method: clinical testing. Allele origin: germline. Affected: yes.
Comment: Not observed in large population cohorts (Lek et al., 2016); In silico analysis, which includes protein predictors and evolutionary conservation, supports a deleterious effect; Has not been previously published as pathogenic or benign to our knowledge

NM_001042424.3(NSD2):c.2720A>G (p.Asn907Ser)

Gene: NSD2 (nuclear receptor binding SET domain protein 2; plus strand). Cytogenetic location: 4p16.3.
Variant type: single nucleotide variant.
Coding change: c.2720A>G on transcript NM_001042424.3 (MANE Select); coding-DNA position 2720, A replaced by G.
Protein change: p.Asn907Ser; replaces asparagine 907 with serine.
Molecular consequence: missense variant.
Genome position (GRCh38, 1-based): chr4:1,956,027, A>G. VCF-style: chr4-1956027-A-G. GRCh37 (hg19) VCF-style: chr4-1957754-A-G.
Other names: c.2720A>G, p.Asn907Ser (NM_133330.3, NM_133331.3, NM_133335.4); short protein forms N907S.
Identifiers: ClinVar variation 1307410 (VCV001307410.2), dbSNP rs2108959226, ClinGen allele CA355991132.
Genomic context (GRCh38, chr4:1,956,027, plus strand): 5'-TTAATATTTATAATAGATGGTGGCCGGCAGAAGTTTGCCATCCCAAAAATGTTCCCCCAA[A>G]TATTCAGAAAATGAAGCACGAGATTGGAGAATTCCCTGTGTTTTTCTTTGGGTCTAAAGA-3'
Protein context (NP_001035889.1, residues 897-917): EVCHPKNVPP[Asn907Ser]IQKMKHEIGE